The following is an entry in ClinVar:

ClinVar aggregate classification (germline): Likely benign (1 of 4 stars; one submission).

gnomAD v4.1: 398 of 1,613,942 alleles (0.025%); highest among the groups gnomAD compares: Middle Eastern, 0.36%; 2 homozygotes.

Submission:

CeGaT Center for Human Genetics Tuebingen
Classification: Likely benign. Last evaluated: 2025-12-01. Review status: criteria provided, single submitter. Criteria: CeGaT Center For Human Genetics Tuebingen Variant Classification Criteria Version 2. Collection method: clinical testing. Allele origin: germline. Affected: yes. Observed: 2 variant alleles.
Comment: UBE4A: BP4, BP7

NM_001204077.2(UBE4A):c.504A>G (p.Ala168=)

Gene: UBE4A (ubiquitination factor E4A; plus strand). Cytogenetic location: 11q23.3.
Variant type: single nucleotide variant.
Coding change: c.504A>G on transcript NM_001204077.2 (MANE Select); coding-DNA position 504, A replaced by G.
Protein change: p.Ala168=; no amino-acid change (alanine 168 retained).
Molecular consequence: synonymous variant.
Genome position (GRCh38, 1-based): chr11:118,371,609, A>G. VCF-style: chr11-118371609-A-G. GRCh37 (hg19) VCF-style: chr11-118242324-A-G.
Other names: c.504A>G, p.Ala168= (NM_004788.4).
Identifiers: ClinVar variation 3777955 (VCV003777955.7).
Genomic context (GRCh38, chr11:118,371,609, plus strand): 5'-CAACCACTTAATTAACATGACTTCTTCTACAACGCTAAATCTCTCTGCTGATCGAGATGC[A>G]GGAGAGAGGCACATTTTTTGTTACCTTTACTCCTGCTTCCAGAGAGCCAAGGAAGAGGTA-3'
Protein context (NP_001191006.1, residues 158-178): TTLNLSADRD[Ala168=]GERHIFCYLY